The following is an entry in ClinVar:

NM_174936.4(PCSK9):c.2044C>T (p.Arg682Trp)

Gene: PCSK9 (proprotein convertase subtilisin/kexin type 9; plus strand). Cytogenetic location: 1p32.3.
Variant type: single nucleotide variant.
Coding change: c.2044C>T on transcript NM_174936.4 (MANE Select); coding-DNA position 2044, C replaced by T.
Protein change: p.Arg682Trp; replaces arginine 682 with tryptophan.
Molecular consequence: missense variant.
Genome position (GRCh38, 1-based): chr1:55,063,549, C>T. VCF-style: chr1-55063549-C-T. GRCh37 (hg19) VCF-style: chr1-55529222-C-T.
Other names: c.2167C>T, p.Arg723Trp (NM_001407240.1); c.2086C>T, p.Arg696Trp (NM_001407241.1); c.2047C>T, p.Arg683Trp (NM_001407242.1); c.1987C>T, p.Arg663Trp (NM_001407243.1); c.1870C>T, p.Arg624Trp (NM_001407244.1); c.1852C>T, p.Arg618Trp (NM_001407245.1); c.1669C>T, p.Arg557Trp (NM_001407246.1); c.1543C>T, p.Arg515Trp (NM_001407247.1); short protein forms R682W, R663W, R515W, R557W, R618W, R624W, R683W, R696W.
Identifiers: ClinVar variation 927116 (VCV000927116.10), dbSNP rs753308448, ClinGen allele CA040459.

ClinVar aggregate classification (germline): Uncertain significance. Review status: criteria provided, multiple submitters, no conflicts (2 of 4 stars). 4 submissions from 4 submitters: Uncertain significance (4). Last evaluated 2025-02-12.

Conditions:
Hypercholesterolemia, autosomal dominant, 3 (FHCL3). Also called: PCSK9-Related Familial Hypercholesterolemia, Autosomal Dominant; Familial hypercholesterolemia 3; Familial Hypercholesterolemia, Autosomal Dominant, 3. Identifiers: MedGen C1863551, MONDO:0011369, OMIM 603776.
Familial hypercholesterolemia. Also called: Familial hypercholesterolaemia; Familial hypercholesterolemias. Identifiers: MedGen C0020445, MONDO:0005439.
Cardiovascular phenotype. Identifiers: MedGen CN230736.

Allele frequency attached by ClinVar (database versions not stated): gnomAD exomes 0.00001 and 0.00002; ExAC 0.00002; TOPMed 0.00002; gnomAD 0.00003 and 0.00004.

Submissions (4):

Labcorp Genetics (formerly Invitae), Labcorp
Classification: Uncertain significance for Hypercholesterolemia, autosomal dominant, 3. Last evaluated: 2025-02-12. Review status: criteria provided, single submitter. Criteria: Invitae Variant Classification Sherloc (09022015). Collection method: clinical testing. Allele origin: germline.
Comment: This sequence change replaces arginine, which is basic and polar, with tryptophan, which is neutral and slightly polar, at codon 682 of the PCSK9 protein (p.Arg682Trp). This variant is present in population databases (rs753308448, gnomAD 0.007%). This variant has not been reported in the literature in individuals affected with PCSK9-related conditions. ClinVar contains an entry for this variant (Variation ID: 927116). Invitae Evidence Modeling of protein sequence and biophysical properties (such as structural, functional, and spatial information, amino acid conservation, physicochemical variation, residue mobility, and thermodynamic stability) indicates that this missense variant is not expected to disrupt PCSK9 protein function with a negative predictive value of 95%. In summary, the available evidence is currently insufficient to determine the role of this variant in disease. Therefore, it has been classified as a Variant of Uncertain Significance.

Color Diagnostics, LLC DBA Color Health
Classification: Uncertain significance for Familial hypercholesterolemia. Last evaluated: 2023-12-05. Review status: criteria provided, single submitter. Criteria: ACMG Guidelines, 2015. Collection method: clinical testing. Allele origin: germline.
Comment: Variant of Uncertain Significance due to insufficient evidence: This missense variant is located in the CM3 domain of the PCSK9 protein. Computational prediction tools and conservation analyses are inconclusive regarding the impact of this variant on the protein function. Computational splicing tools suggest that this variant may not impact RNA splicing. To our knowledge, functional assays have not been performed for this variant nor has this variant been reported in individuals affected with familial hypercholesterolemia in the literature. This variant has been identified in 5/242858 chromosomes in the general population by the Genome Aggregation Database (gnomAD). Available evidence is insufficient to determine the pathogenicity of this variant conclusively.

Ambry Genetics
Classification: Uncertain significance for Cardiovascular phenotype. Last evaluated: 2021-09-17. Review status: criteria provided, single submitter. Criteria: Ambry Variant Classification Scheme 2023. Collection method: clinical testing. Allele origin: germline.
Comment: The p.R682W variant (also known as c.2044C>T), located in coding exon 12 of the PCSK9 gene, results from a C to T substitution at nucleotide position 2044. The arginine at codon 682 is replaced by tryptophan, an amino acid with dissimilar properties. This amino acid position is conserved. In addition, this alteration is predicted to be tolerated by in silico analysis. Since supporting evidence is limited at this time, the clinical significance of this alteration remains unclear.

Breakthrough Genomics
Classification: Uncertain significance. Review status: criteria provided, single submitter. Criteria: ACMG Guidelines, 2015. Collection method: not provided. Allele origin: germline. Inheritance: Autosomal dominant inheritance. Affected: yes.